The following is an entry in ClinVar:

NM_001364905.1(LRBA):c.5977C>T (p.Arg1993Ter)

Gene: LRBA (LPS responsive beige-like anchor protein; minus strand). Cytogenetic location: 4q31.3.
Variant type: single nucleotide variant.
Coding change: c.5977C>T on transcript NM_001364905.1 (MANE Select); coding-DNA position 5977, C replaced by T.
Protein change: p.Arg1993Ter; replaces arginine 1993 with a stop codon.
Molecular consequence: nonsense.
Genome position (GRCh38, 1-based): chr4:150,599,076, G>A on the plus strand (C>T on the coding strand, the complement: LRBA is on the minus strand). VCF-style: chr4-150599076-G-A. GRCh37 (hg19) VCF-style: chr4-151520228-G-A.
Other names: c.5977C>T, p.Arg1993Ter (NM_001199282.3, NM_001367550.1, NM_006726.5); short protein forms R1993*.
Identifiers: ClinVar variation 3613663 (VCV003613663.2).

ClinVar aggregate classification (germline): Pathogenic (1 of 4 stars; one submission).

Conditions:
Combined immunodeficiency due to LRBA deficiency. Also called: Common variable immunodeficiency 8, with autoimmunity. Identifiers: Orphanet 445018, MedGen C3553512, MONDO:0013863, OMIM 614700.

gnomAD v4.1: 2 of 1,614,046 alleles (0.00012%); highest among the groups gnomAD compares: Admixed American, 0.0017%; no homozygotes.

Submission:

Labcorp Genetics (formerly Invitae), Labcorp
Classification: Pathogenic for Combined immunodeficiency due to LRBA deficiency. Last evaluated: 2024-05-06. Review status: criteria provided, single submitter. Criteria: Invitae Variant Classification Sherloc (09022015). Collection method: clinical testing. Allele origin: germline.
Comment: This sequence change creates a premature translational stop signal (p.Arg1993*) in the LRBA gene. It is expected to result in an absent or disrupted protein product. Loss-of-function variants in LRBA are known to be pathogenic (PMID: 26206937, 26768763). This variant is present in population databases (rs763695328, gnomAD 0.003%). This premature translational stop signal has been observed in individual(s) with LRBA deficiency (PMID: 31887391). For these reasons, this variant has been classified as Pathogenic.

Literature cited by the submitters: PubMed 26206937; PubMed 26768763; PubMed 31887391.